The following is an entry in ClinVar:

ClinVar aggregate classification (germline): Uncertain significance (1 of 4 stars; one submission).

Allele frequency attached by ClinVar (database versions not stated): gnomAD 0.00001; gnomAD exomes 0.00002 and 0.00004; TOPMed 0.00002; ExAC 0.00003.
gnomAD v4.1: 33 of 1,604,020 alleles (0.0021%); highest among the groups gnomAD compares: South Asian, 0.031%; no homozygotes.

Submission:

Labcorp Genetics (formerly Invitae), Labcorp
Classification: Uncertain significance. Last evaluated: 2024-12-09. Review status: criteria provided, single submitter. Criteria: Invitae Variant Classification Sherloc (09022015). Collection method: clinical testing. Allele origin: germline.
Comment: This sequence change replaces serine, which is neutral and polar, with asparagine, which is neutral and polar, at codon 35 of the C9 protein (p.Ser35Asn). This variant is present in population databases (rs753704980, gnomAD 0.02%). This variant has not been reported in the literature in individuals affected with C9-related conditions. ClinVar contains an entry for this variant (Variation ID: 1418440). An algorithm developed to predict the effect of missense changes on protein structure and function outputs the following: PolyPhen-2: "Benign". The asparagine amino acid residue is found in multiple mammalian species, which suggests that this missense change does not adversely affect protein function. In summary, the available evidence is currently insufficient to determine the role of this variant in disease. Therefore, it has been classified as a Variant of Uncertain Significance.

NM_001737.5(C9):c.104G>A (p.Ser35Asn)

Gene: C9 (complement C9; minus strand). Cytogenetic location: 5p13.1.
Variant type: single nucleotide variant.
Coding change: c.104G>A on transcript NM_001737.5 (MANE Select); coding-DNA position 104, G replaced by A.
Protein change: p.Ser35Asn; replaces serine 35 with asparagine.
Molecular consequence: missense variant.
Genome position (GRCh38, 1-based): chr5:39,342,170, C>T on the plus strand (G>A on the coding strand, the complement: C9 is on the minus strand). VCF-style: chr5-39342170-C-T. GRCh37 (hg19) VCF-style: chr5-39342272-C-T.
Other names: short protein forms S35N.
Identifiers: ClinVar variation 1418440 (VCV001418440.6), dbSNP rs753704980, ClinGen allele CA3247132.